The following is an entry in ClinVar:

ClinVar aggregate classification (germline): Pathogenic (1 of 4 stars; one submission).

Allele frequency attached by ClinVar (database versions not stated): TOPMed 0.00001; gnomAD exomes below 0.00001.
gnomAD v4.1: 2 of 1,601,052 alleles (0.00012%); highest among the groups gnomAD compares: Non-Finnish European, 0.00017%; no homozygotes.

Submission:

Labcorp Genetics (formerly Invitae), Labcorp
Classification: Pathogenic. Last evaluated: 2024-02-23. Review status: criteria provided, single submitter. Criteria: Invitae Variant Classification Sherloc (09022015). Collection method: clinical testing. Allele origin: germline.
Comment: This sequence change creates a premature translational stop signal (p.Arg1234*) in the CCDC88C gene. It is expected to result in an absent or disrupted protein product. Loss-of-function variants in CCDC88C are known to be pathogenic (PMID: 23042809, 29225145). This variant is not present in population databases (gnomAD no frequency). This variant has not been reported in the literature in individuals affected with CCDC88C-related conditions. ClinVar contains an entry for this variant (Variation ID: 2080624). For these reasons, this variant has been classified as Pathogenic.

Literature cited by the submitters: PubMed 23042809; PubMed 29225145.

NM_001080414.4(CCDC88C):c.3700C>T (p.Arg1234Ter)

Gene: CCDC88C (coiled-coil and HOOK domain protein 88C; minus strand). Cytogenetic location: 14q32.11.
Variant type: single nucleotide variant.
Coding change: c.3700C>T on transcript NM_001080414.4 (MANE Select); coding-DNA position 3700, C replaced by T.
Protein change: p.Arg1234Ter; replaces arginine 1234 with a stop codon.
Molecular consequence: nonsense.
Genome position (GRCh38, 1-based): chr14:91,300,006, G>A on the plus strand (C>T on the coding strand, the complement: CCDC88C is on the minus strand). VCF-style: chr14-91300006-G-A. GRCh37 (hg19) VCF-style: chr14-91766350-G-A.
Other names: short protein forms R1234*.
Identifiers: ClinVar variation 2080624 (VCV002080624.3), dbSNP rs1267399794, ClinGen allele CA390620221.